The following is an entry in ClinVar:

NM_005445.4(SMC3):c.2590T>C (p.Ser864Pro)

Gene: SMC3 (structural maintenance of chromosomes 3; plus strand). Cytogenetic location: 10q25.2.
Variant type: single nucleotide variant.
Coding change: c.2590T>C on transcript NM_005445.4 (MANE Select); coding-DNA position 2590, T replaced by C.
Protein change: p.Ser864Pro; replaces serine 864 with proline.
Molecular consequence: missense variant.
Genome position (GRCh38, 1-based): chr10:110,601,076, T>C. VCF-style: chr10-110601076-T-C. GRCh37 (hg19) VCF-style: chr10-112360834-T-C.
Other names: short protein forms S864P.
Identifiers: ClinVar variation 2832899 (VCV002832899.3), dbSNP rs2493146503, ClinGen allele CA378393218.

ClinVar aggregate classification (germline): Likely pathogenic (1 of 4 stars; one submission).

Conditions:
Cornelia de Lange syndrome 3 (CDLS3). Also called: SMC3-Related Cornelia de Lange Syndrome; CORNELIA DE LANGE SYNDROME 3 WITH OR WITHOUT MIDLINE BRAIN DEFECTS. Identifiers: Orphanet 199, MedGen C1853099, MONDO:0012555, OMIM 610759.

Submission:

Labcorp Genetics (formerly Invitae), Labcorp
Classification: Likely pathogenic for Cornelia de Lange syndrome 3. Last evaluated: 2023-10-26. Review status: criteria provided, single submitter. Criteria: Invitae Variant Classification Sherloc (09022015). Collection method: clinical testing. Allele origin: germline.
Comment: This sequence change replaces serine, which is neutral and polar, with proline, which is neutral and non-polar, at codon 864 of the SMC3 protein (p.Ser864Pro). This variant is not present in population databases (gnomAD no frequency). This missense change has been observed in individual(s) with clinical features of Cornelia de Lange syndrome (Invitae). In at least one individual the variant was observed to be de novo. Advanced modeling of protein sequence and biophysical properties (such as structural, functional, and spatial information, amino acid conservation, physicochemical variation, residue mobility, and thermodynamic stability) performed at Invitae indicates that this missense variant is not expected to disrupt SMC3 protein function with a negative predictive value of 80%. In summary, the currently available evidence indicates that the variant is pathogenic, but additional data are needed to prove that conclusively. Therefore, this variant has been classified as Likely Pathogenic.